The following is an entry in ClinVar:

NM_000552.5(VWF):c.5170+11G>C

Gene: VWF (von Willebrand factor; minus strand). Cytogenetic location: 12p13.31.
Variant type: single nucleotide variant.
Coding change: c.5170+11G>C on transcript NM_000552.5 (MANE Select); 11 bases into the intron after coding-DNA position 5170, G replaced by C.
Molecular consequence: intron variant.
Genome position (GRCh38, 1-based): chr12:6,016,743, C>G on the plus strand (G>C on the coding strand, the complement: VWF is on the minus strand). VCF-style: chr12-6016743-C-G. GRCh37 (hg19) VCF-style: chr12-6125909-C-G.
Identifiers: ClinVar variation 4277560 (VCV004277560.3).

ClinVar aggregate classification (germline): Conflicting classifications of pathogenicity. Review status: criteria provided, conflicting classifications (1 of 4 stars). 3 submissions from 3 submitters: Uncertain significance (1); Likely benign (2). Last evaluated 2025-09-10.

Conditions:
von Willebrand disease type 1 (VWD1). Also called: VON WILLEBRAND DISEASE, TYPE I; VWD, TYPE 1. Identifiers: Orphanet 166078, Orphanet 903, MedGen C1264039, MONDO:0008668, OMIM 193400. Inheritance: autosomal recessive or autosomal dominant.

gnomAD v4.1: 82 of 1,614,200 alleles (0.0051%); highest among the groups gnomAD compares: Middle Eastern, 0.017%; no homozygotes.

Submissions (3):

Genomic Medicine Center of Excellence, King Faisal Specialist Hospital and Research Centre
Classification: Uncertain significance for von Willebrand disease type 1. Last evaluated: 2025-09-10. Review status: criteria provided, single submitter. Criteria: ACMG Guidelines, 2015. Collection method: clinical testing. Allele origin: germline.

Women's Health and Genetics/Laboratory Corporation of America, LabCorp
Classification: Likely benign. Last evaluated: 2025-09-03. Review status: criteria provided, single submitter. Criteria: LabCorp Variant Classification Summary - May 2015. Collection method: clinical testing. Allele origin: germline.
Comment: Variant summary: VWF c.5170+11G>C alters a non-conserved nucleotide located at a position not widely known to affect splicing. Consensus agreement among computation tools predict no significant impact on normal splicing. However, these predictions have yet to be confirmed by functional studies. The variant allele was found at a frequency of 5.2e-05 in 251476 control chromosomes. This frequency is not significantly higher than estimated for disease-causing variants in VWF, allowing no conclusion about variant significance. To our knowledge, no occurrence of c.5170+11G>C in individuals affected with VWF-related conditions and no experimental evidence demonstrating its impact on protein function have been reported. No submitters have cited clinical-significance assessments for this variant to ClinVar. Based on the evidence outlined above, the variant was classified as likely benign.

Blueprint Genetics
Classification: Likely benign. Last evaluated: 2024-10-11. Review status: criteria provided, single submitter. Criteria: ACMG Guidelines, 2015. Collection method: clinical testing. Allele origin: germline.